The following is an entry in ClinVar:

ClinVar aggregate classification (germline): Uncertain significance (1 of 4 stars; one submission).

Conditions:
Werner syndrome (WRN). Identifiers: Orphanet 902, MedGen C0043119, MONDO:0010196, OMIM 277700.

Allele frequency attached by ClinVar (database versions not stated): gnomAD exomes below 0.00001 and 0.00001; gnomAD 0.00001; ExAC 0.00002; TOPMed 0.00003.
gnomAD v4.1: 5 of 1,614,064 alleles (0.00031%); highest among the groups gnomAD compares: African/African-American, 0.0027%; no homozygotes.

Submission:

Labcorp Genetics (formerly Invitae), Labcorp
Classification: Uncertain significance for Werner syndrome. Last evaluated: 2025-07-31. Review status: criteria provided, single submitter. Criteria: Invitae Variant Classification Sherloc (09022015). Collection method: clinical testing. Allele origin: germline.
Comment: This sequence change replaces glutamic acid, which is acidic and polar, with alanine, which is neutral and non-polar, at codon 975 of the WRN protein (p.Glu975Ala). This variant is present in population databases (rs767486739, gnomAD 0.01%). This variant has not been reported in the literature in individuals affected with WRN-related conditions. ClinVar contains an entry for this variant (Variation ID: 848692). An algorithm developed to predict the effect of missense changes on protein structure and function (PolyPhen-2) suggests that this variant is likely to be tolerated. In summary, the available evidence is currently insufficient to determine the role of this variant in disease. Therefore, it has been classified as a Variant of Uncertain Significance.

NM_000553.6(WRN):c.2924A>C (p.Glu975Ala)

Gene: WRN (WRN RecQ like helicase; plus strand). Cytogenetic location: 8p12.
Variant type: single nucleotide variant.
Coding change: c.2924A>C on transcript NM_000553.6 (MANE Select); coding-DNA position 2924, A replaced by C.
Protein change: p.Glu975Ala; replaces glutamic acid 975 with alanine.
Molecular consequence: missense variant.
Genome position (GRCh38, 1-based): chr8:31,132,463, A>C. VCF-style: chr8-31132463-A-C. GRCh37 (hg19) VCF-style: chr8-30989979-A-C.
Other names: short protein forms E975A.
Identifiers: ClinVar variation 848692 (VCV000848692.6), dbSNP rs767486739, ClinGen allele CA4704881.